The following is an entry in ClinVar:

NM_001007228.2(SPOP):c.344A>T (p.Lys115Ile)

Gene: SPOP (speckle type BTB/POZ protein; minus strand). Cytogenetic location: 17q21.33.
Variant type: single nucleotide variant.
Coding change: c.344A>T on transcript NM_001007228.2 (MANE Select); coding-DNA position 344, A replaced by T.
Protein change: p.Lys115Ile; replaces lysine 115 with isoleucine.
Molecular consequence: missense variant.
Genome position (GRCh38, 1-based): chr17:49,619,242, T>A on the plus strand (A>T on the coding strand, the complement: SPOP is on the minus strand). VCF-style: chr17-49619242-T-A. GRCh37 (hg19) VCF-style: chr17-47696604-T-A.
Other names: c.344A>T, p.Lys115Ile (NM_001007226.1, NM_001007227.1, NM_001007229.1 and 5 more transcripts); short protein forms K115I.
Identifiers: ClinVar variation 3169321 (VCV003169321.2), dbSNP rs2543844684, ClinGen allele CA400156824.

ClinVar aggregate classification (germline): Uncertain significance (1 of 4 stars; one submission).

Conditions:
Inborn genetic diseases. Identifiers: MedGen C0950123, MeSH D030342.

Submission:

Ambry Genetics
Classification: Uncertain significance for Inborn genetic diseases. Last evaluated: 2026-07-15. Review status: criteria provided, single submitter. Criteria: Ambry Variant Classification Scheme 2023. Collection method: clinical testing. Allele origin: germline.
Comment: The c.344A>T (p.K115I) alteration is located in exon 6 (coding exon 3) of the SPOP gene. This alteration results from an A to T substitution at nucleotide position 344, causing the lysine (K) at amino acid position 115 to be replaced by an isoleucine (I). This variant was not reported in population-based cohorts in the Genome Aggregation Database (gnomAD). This amino acid position is highly conserved in available vertebrate species. This missense alteration is located in a region that has a low rate of benign missense variation (Lek, 2016; Firth, 2009). The in silico prediction for this alteration is inconclusive. Based on insufficient or conflicting evidence, the clinical significance of this alteration remains unclear.